The following is an entry in ClinVar:

ClinVar aggregate classification (germline): Conflicting classifications of pathogenicity. Review status: criteria provided, conflicting classifications (1 of 4 stars). 2 submissions from 2 submitters: Pathogenic (1); Uncertain significance (1). Last evaluated 2025-10-07.

Conditions:
TRPM1-related disorder. Also called: TRPM1-related condition.

Submissions (2):

Labcorp Genetics (formerly Invitae), Labcorp
Classification: Uncertain significance. Last evaluated: 2025-10-07. Review status: criteria provided, single submitter. Criteria: Invitae Variant Classification Sherloc (09022015). Collection method: clinical testing. Allele origin: germline.
Comment: This variant, c.2597_2599del, results in the deletion of 1 amino acid(s) of the TRPM1 protein (p.Ser866del), but otherwise preserves the integrity of the reading frame. This variant is present in population databases (rs746266383, gnomAD 0.004%). This variant has been observed in individual(s) with congenital stationary night blindness (PMID: 29522070; internal data). In at least one individual the data is consistent with being in trans (on the opposite chromosome) from a pathogenic variant. ClinVar contains an entry for this variant (Variation ID: 935877). Experimental studies and prediction algorithms are not available or were not evaluated, and the functional significance of this variant is currently unknown. In summary, the available evidence is currently insufficient to determine the role of this variant in disease. Therefore, it has been classified as a Variant of Uncertain Significance.

Blueprint Genetics
Classification: Pathogenic for TRPM1-related disorders. Last evaluated: 2022-03-28. Review status: criteria provided, single submitter. Criteria: ACMG Guidelines, 2015. Collection method: clinical testing. Allele origin: germline. Affected: yes. Observed: 5 variant alleles.

Literature cited by the submitters: PubMed 29522070 (cited by Labcorp Genetics (formerly Invitae), Labcorp).

NM_001252024.2(TRPM1):c.2663_2665del (p.Ser888del)

Genes: TRPM1 (transient receptor potential cation channel subfamily M member 1; minus strand), TRPM1-AS1 (TRPM1 antisense RNA 1; plus strand). Cytogenetic location: 15q13.3.
Variant type: Deletion.
Coding change: c.2663_2665del on transcript NM_001252024.2 (MANE Select); coding-DNA positions 2663 to 2665, 3 bases deleted (CCT; older notation c.2663_2665delCCT).
Protein change: p.Ser888del; deletes serine 888.
Molecular consequence: inframe deletion.
Genome position (GRCh38, 1-based): chr15:31,035,581-31,035,583, AGG deleted on the plus strand (CCT on the coding strand, the reverse complement: TRPM1 is on the minus strand); deleting any 3 consecutive bases within chr15:31,035,581-31,035,585 gives the same sequence; the c. name uses the placement nearest the transcript's 3' end. VCF-style (leftmost placement, unchanged base first): chr15-31035580-TAGG-T. GRCh37 (hg19) VCF-style: chr15-31327783-TAGG-T.
Other names: c.2714_2716del, p.Ser905del (NM_001252020.2); c.2597_2599del, p.Ser866del (NM_002420.6); short protein forms S866del, S905del, S888del.
Identifiers: ClinVar variation 935877 (VCV000935877.8), dbSNP rs746266383, ClinGen allele CA7452113.